The following is an entry in ClinVar:

ClinVar aggregate classification (germline): Uncertain significance (1 of 4 stars; one submission).

Conditions:
Emery-Dreifuss muscular dystrophy 5, autosomal dominant (EDMD5). Also called: EMERY-DREIFUSS MUSCULAR DYSTROPHY 5. Identifiers: Orphanet 261, MedGen C2751805, MONDO:0013072, OMIM 612999.

Allele frequency attached by ClinVar (database versions not stated): ExAC 0.00001.
gnomAD v4.1: 2 of 1,614,118 alleles (0.00012%); highest among the groups gnomAD compares: South Asian, 0.0022%; no homozygotes.

Submission:

Labcorp Genetics (formerly Invitae), Labcorp
Classification: Uncertain significance for Emery-Dreifuss muscular dystrophy 5, autosomal dominant. Last evaluated: 2022-04-29. Review status: criteria provided, single submitter. Criteria: Invitae Variant Classification Sherloc (09022015). Collection method: clinical testing. Allele origin: germline.
Comment: In summary, the available evidence is currently insufficient to determine the role of this variant in disease. Therefore, it has been classified as a Variant of Uncertain Significance. Algorithms developed to predict the effect of missense changes on protein structure and function are either unavailable or do not agree on the potential impact of this missense change (SIFT: "Tolerated"; PolyPhen-2: "Possibly Damaging"; Align-GVGD: "Class C0"). This variant has not been reported in the literature in individuals affected with SYNE2-related conditions. This variant is present in population databases (rs747247498, gnomAD 0.006%). This sequence change replaces leucine, which is neutral and non-polar, with arginine, which is basic and polar, at codon 733 of the SYNE2 protein (p.Leu733Arg).

NM_182914.3(SYNE2):c.2198T>G (p.Leu733Arg)

Gene: SYNE2 (spectrin repeat containing nuclear envelope protein 2; plus strand). Cytogenetic location: 14q23.2.
Variant type: single nucleotide variant.
Coding change: c.2198T>G on transcript NM_182914.3 (MANE Select); coding-DNA position 2198, T replaced by G.
Protein change: p.Leu733Arg; replaces leucine 733 with arginine.
Molecular consequence: missense variant.
Genome position (GRCh38, 1-based): chr14:63,986,502, T>G. VCF-style: chr14-63986502-T-G. GRCh37 (hg19) VCF-style: chr14-64453220-T-G.
Other names: c.2198T>G, p.Leu733Arg (NM_015180.6); short protein forms L733R.
Identifiers: ClinVar variation 1953126 (VCV001953126.5), dbSNP rs747247498, ClinGen allele CA7219636.
Genomic context (GRCh38, chr14:63,986,502, plus strand): 5'-TTTGAATGTTGTAGGCTGGAGAGAAACATGAAAAAGAAAATGAAGAATTCACAGGGCAAC[T>G]AAAAGTGGCTAAAGATGTTGAAAAACTCATTGGACAAGTGGAAATCTGGGAGGCAGAAGC-3'
Protein context (NP_878918.2, residues 723-743): EKENEEFTGQ[Leu733Arg]KVAKDVEKLI